The following is an entry in ClinVar:

ClinVar aggregate classification (germline): Likely pathogenic (1 of 4 stars; one submission).

Conditions:
Hearing impairment. Also called: Impaired Hearing. Identifiers: MedGen C1384666, MONDO:0005365, HP:0000365.

Submission:

Department of Otolaryngology – Head & Neck Surgery, Cochlear Implant Center
Classification: Likely pathogenic for Hearing impairment. Last evaluated: 2021-04-12. Review status: criteria provided, single submitter. Criteria: ClinGen HL ACMG Specifications v1. Collection method: clinical testing. Allele origin: germline. Affected: yes.
Comment: PVS1_Strong, PM2_Moderate

NM_002700.3(POU4F3):c.545C>G (p.Ser182Ter)

Genes: POU4F3 (POU class 4 homeobox 3; plus strand), RBM27-POU4F3 (RBM27-POU4F3 readthrough; plus strand). Cytogenetic location: 5q32.
Variant type: single nucleotide variant.
Coding change: c.545C>G on transcript NM_002700.3 (MANE Select); coding-DNA position 545, C replaced by G.
Protein change: p.Ser182Ter; replaces serine 182 with a stop codon.
Molecular consequence: nonsense.
Genome position (GRCh38, 1-based): chr5:146,339,972, C>G. VCF-style: chr5-146339972-C-G. GRCh37 (hg19) VCF-style: chr5-145719535-C-G.
Other names: short protein forms S182*.
Identifiers: ClinVar variation 1065044 (VCV001065044.3), dbSNP rs1284441535, ClinGen allele CA361621077.
Genomic context (GRCh38, chr5:146,339,972, plus strand): 5'-GTCACCCGCACACCGTGGCCCCTCATAGCGCCATGCCTGCATGCCTCAGCGACGTGGAGT[C>G]AGACCCGCGCGAGCTGGAAGCCTTCGCCGAGCGCTTCAAGCAGCGGCGCATCAAGCTGGG-3'